The following is an entry in ClinVar:

NM_006269.2(RP1):c.3222A>G (p.Ile1074Met)

Gene: RP1 (RP1 axonemal microtubule associated; plus strand). Cytogenetic location: 8q12.1.
Variant type: single nucleotide variant.
Coding change: c.3222A>G on transcript NM_006269.2 (MANE Select); coding-DNA position 3222, A replaced by G.
Protein change: p.Ile1074Met; replaces isoleucine 1074 with methionine.
Molecular consequence: missense variant. On other transcripts: intron variant (1).
Genome position (GRCh38, 1-based): chr8:54,627,104, A>G. VCF-style: chr8-54627104-A-G. GRCh37 (hg19) VCF-style: chr8-55539664-A-G.
Other names: c.787+4816A>G (NM_001375654.1); short protein forms I1074M.
Identifiers: ClinVar variation 3727790 (VCV003727790.2).

ClinVar aggregate classification (germline): Uncertain significance (1 of 4 stars; one submission).

Submission:

Labcorp Genetics (formerly Invitae), Labcorp
Classification: Uncertain significance. Last evaluated: 2024-12-23. Review status: criteria provided, single submitter. Criteria: Invitae Variant Classification Sherloc (09022015). Collection method: clinical testing. Allele origin: germline.
Comment: This sequence change replaces isoleucine, which is neutral and non-polar, with methionine, which is neutral and non-polar, at codon 1074 of the RP1 protein (p.Ile1074Met). This variant is not present in population databases (gnomAD no frequency). This variant has not been reported in the literature in individuals affected with RP1-related conditions. An algorithm developed to predict the effect of missense changes on protein structure and function outputs the following: PolyPhen-2: "Benign". The methionine amino acid residue is found in multiple mammalian species, which suggests that this missense change does not adversely affect protein function. In summary, the available evidence is currently insufficient to determine the role of this variant in disease. Therefore, it has been classified as a Variant of Uncertain Significance.